The following is an entry in ClinVar:

ClinVar aggregate classification (germline): Uncertain significance (1 of 4 stars; one submission).

Submission:

Ambry Genetics
Classification: Uncertain significance. Last evaluated: 2025-01-28. Review status: criteria provided, single submitter. Criteria: Ambry Variant Classification Scheme 2023. Collection method: clinical testing. Allele origin: germline.
Comment: The c.386A>C (p.Y129S) alteration is located in exon 4 (coding exon 4) of the HARS gene. This alteration results from a A to C substitution at nucleotide position 386, causing the tyrosine (Y) at amino acid position 129 to be replaced by a serine (S). Based on data from gnomAD, the C allele has an overall frequency of <0.001% (1/249674) total alleles studied. The highest observed frequency was 0.001% (1/113196) of European (non-Finnish) alleles. This amino acid position is highly conserved in available vertebrate species. This alteration is predicted to be deleterious by in silico analysis. Based on insufficient or conflicting evidence, the clinical significance of this alteration remains unclear.

NM_002109.6(HARS1):c.386A>C (p.Tyr129Ser)

Gene: HARS1 (histidyl-tRNA synthetase 1; minus strand). Cytogenetic location: 5q31.3.
Variant type: single nucleotide variant.
Coding change: c.386A>C on transcript NM_002109.6 (MANE Select); coding-DNA position 386, A replaced by C.
Protein change: p.Tyr129Ser; replaces tyrosine 129 with serine.
Molecular consequence: missense variant. On other transcripts: intron variant (2).
Genome position (GRCh38, 1-based): chr5:140,679,798, T>G on the plus strand (A>C on the coding strand, the complement: HARS1 is on the minus strand). VCF-style: chr5-140679798-T-G. GRCh37 (hg19) VCF-style: chr5-140059383-T-G.
Other names: c.266A>C, p.Tyr89Ser (NM_001258040.3, NM_001258042.3); c.386A>C, p.Tyr129Ser (NM_001258041.3); c.299A>C, p.Tyr100Ser (NM_001289094.2); c.181-1783A>C (NM_001289093.2); c.301-1783A>C (NM_001289092.2); short protein forms Y89S, Y100S, Y129S.
Identifiers: ClinVar variation 3523940 (VCV003523940.2).